The following is an entry in ClinVar:

NM_024408.4(NOTCH2):c.6710G>A (p.Ser2237Asn)

Gene: NOTCH2 (notch receptor 2; minus strand). Cytogenetic location: 1p12.
Variant type: single nucleotide variant.
Coding change: c.6710G>A on transcript NM_024408.4 (MANE Select); coding-DNA position 6710, G replaced by A.
Protein change: p.Ser2237Asn; replaces serine 2237 with asparagine.
Molecular consequence: missense variant.
Genome position (GRCh38, 1-based): chr1:119,916,012, C>T on the plus strand (G>A on the coding strand, the complement: NOTCH2 is on the minus strand). VCF-style: chr1-119916012-C-T. GRCh37 (hg19) VCF-style: chr1-120458635-C-T.
Other names: short protein forms S2237N.
Identifiers: ClinVar variation 4744784 (VCV004744784.1).

ClinVar aggregate classification (germline): Uncertain significance (1 of 4 stars; one submission).

Conditions:
Hajdu-Cheney syndrome (HJCYS). Also called: SERPENTINE FIBULA-POLYCYSTIC KIDNEY SYNDROME; Acroosteolysis dominant type; ACROOSTEOLYSIS WITH OSTEOPOROSIS AND CHANGES IN SKULL AND MANDIBLE. Identifiers: Orphanet 955, MedGen C0917715, MONDO:0007057, OMIM 102500.

gnomAD v4.1: 2 of 1,613,830 alleles (0.00012%); highest among the groups gnomAD compares: East Asian, 0.0045%; no homozygotes.

Submission:

Labcorp Genetics (formerly Invitae), Labcorp
Classification: Uncertain significance for Hajdu-Cheney syndrome. Last evaluated: 2025-03-05. Review status: criteria provided, single submitter. Criteria: Invitae Variant Classification Sherloc (09022015). Collection method: clinical testing. Allele origin: germline.
Comment: This sequence change replaces serine, which is neutral and polar, with asparagine, which is neutral and polar, at codon 2237 of the NOTCH2 protein (p.Ser2237Asn). This variant is not present in population databases (gnomAD no frequency). This variant has not been reported in the literature in individuals affected with NOTCH2-related conditions. Invitae Evidence Modeling of protein sequence and biophysical properties (such as structural, functional, and spatial information, amino acid conservation, physicochemical variation, residue mobility, and thermodynamic stability) indicates that this missense variant is not expected to disrupt NOTCH2 protein function with a negative predictive value of 80%. In summary, the available evidence is currently insufficient to determine the role of this variant in disease. Therefore, it has been classified as a Variant of Uncertain Significance.